The following is an entry in ClinVar:

ClinVar aggregate classification (germline): Benign. Review status: criteria provided, multiple submitters, no conflicts (2 of 4 stars). 2 submissions from 2 submitters: Benign (2). Last evaluated 2024-01-24.

Allele frequency attached by ClinVar (database versions not stated): gnomAD exomes 0.66598; gnomAD 0.69656 and 0.70417; TOPMed 0.71122; 1000 Genomes Project 30x 0.78685; 1000 Genomes Project 0.78734.
gnomAD v4.1: 1,059,702 of 1,581,314 alleles (67%); highest among the groups gnomAD compares: East Asian, 91%; 360,425 homozygotes.

Submissions (2):

Unidad de Genómica Garrahan, Hospital de Pediatría Garrahan
Classification: Benign. Last evaluated: 2024-01-24. Review status: criteria provided, single submitter. Criteria: ACMG Guidelines, 2015. Collection method: clinical testing. Allele origin: germline. Affected: no. Observed: 82 variant alleles.
Comment: This variant is classified as Benign based on local population frequency. This variant was detected in 93% of patients studied by a panel of primary immunodeficiencies. Number of patients: 82. Only high quality variants are reported.

GeneDx
Classification: Benign. Last evaluated: 2018-06-14. Review status: criteria provided, single submitter. Criteria: GeneDx Variant Classification (06012015). Collection method: clinical testing. Allele origin: germline. Affected: yes.
Comment: This variant is considered likely benign or benign based on one or more of the following criteria: it is a conservative change, it occurs at a poorly conserved position in the protein, it is predicted to be benign by multiple in silico algorithms, and/or has population frequency not consistent with disease.

NM_006846.4(SPINK5):c.1888-54G>A

Gene: SPINK5 (serine peptidase inhibitor Kazal type 5; plus strand). Cytogenetic location: 5q32.
Variant type: single nucleotide variant.
Coding change: c.1888-54G>A on transcript NM_006846.4 (MANE Select); 54 bases into the intron before coding-DNA position 1888, G replaced by A.
Molecular consequence: intron variant.
Genome position (GRCh38, 1-based): chr5:148,114,308, G>A. VCF-style: chr5-148114308-G-A. GRCh37 (hg19) VCF-style: chr5-147493871-G-A.
Other names: c.1888-54G>A (NM_001127698.2, NM_001127699.2).
Identifiers: ClinVar variation 674421 (VCV000674421.3), dbSNP rs3815735, ClinGen allele CA16244834.
Genomic context (GRCh38, chr5:148,114,308, plus strand): 5'-ATTCTCAGGTCATTTTCTCTCTCTTTTTTTTTTTTCTATAAAGCACTTAGTAGGAACCCA[G>A]TAAACTAATTTCCCAGAAGATACTCAAGCTTTCTCCTTTTCTTTTCCTTTTAGGAGACAT-3'